The following is an entry in ClinVar:

ClinVar aggregate classification (germline): Uncertain significance. Review status: criteria provided, multiple submitters, no conflicts (2 of 4 stars). 2 submissions from 2 submitters: Uncertain significance (2). Last evaluated 2024-07-01.

Conditions:
Singleton-Merten syndrome 1 (SGMRT1). Also called: Widened medullary cavities of bone, aortic calcification, abnormal dentition, and muscular weakness; Syndrome of widened medullary cavities of the metacarpals and phalanges, aortic calcification and abnormal dentition. Identifiers: Orphanet 85191, MedGen C4225427, MONDO:0024535, OMIM 182250.
Aicardi-Goutieres syndrome 7 (AGS7). Identifiers: Orphanet 51, MedGen C3888244, MONDO:0014367, OMIM 615846.

Allele frequency attached by ClinVar (database versions not stated): gnomAD exomes below 0.00001.

Submissions (2):

Blueprint Genetics
Classification: Uncertain significance. Last evaluated: 2024-07-01. Review status: criteria provided, single submitter. Criteria: ACMG Guidelines, 2015. Collection method: clinical testing. Allele origin: germline.

Labcorp Genetics (formerly Invitae), Labcorp
Classification: Uncertain significance for Aicardi-Goutieres syndrome 7; Singleton-Merten syndrome 1. Last evaluated: 2022-08-09. Review status: criteria provided, single submitter. Criteria: Invitae Variant Classification Sherloc (09022015). Collection method: clinical testing. Allele origin: germline.
Comment: In summary, the available evidence is currently insufficient to determine the role of this variant in disease. Therefore, it has been classified as a Variant of Uncertain Significance. This variant has not been reported in the literature in individuals affected with IFIH1-related conditions. This variant is not present in population databases (gnomAD no frequency). This sequence change creates a premature translational stop signal (p.Val861Phefs*4) in the IFIH1 gene. It is expected to result in an absent or disrupted protein product. However, the current clinical and genetic evidence is not sufficient to establish whether loss-of-function variants in IFIH1 cause disease.

NM_022168.4(IFIH1):c.2581del (p.Val861fs)

Gene: IFIH1 (interferon induced with helicase C domain 1; minus strand). Cytogenetic location: 2q24.2.
Variant type: Deletion.
Coding change: c.2581del on transcript NM_022168.4 (MANE Select); coding-DNA position 2581, one base deleted (G; older notation c.2581delG).
Protein change: p.Val861fs; shifts the reading frame from valine 861.
Molecular consequence: frameshift variant.
Genome position (GRCh38, 1-based): chr2:162,272,261, C deleted on the plus strand (G on the coding strand, the reverse complement: IFIH1 is on the minus strand). VCF-style (leftmost placement, unchanged base first): chr2-162272260-AC-A. GRCh37 (hg19) VCF-style: chr2-163128770-AC-A.
Other names: short protein forms V861fs.
Identifiers: ClinVar variation 1971073 (VCV001971073.6), dbSNP rs2468952267, ClinGen allele CA2577138687.